The following is an entry in ClinVar:

NM_001165963.4(SCN1A):c.87T>G (p.Ile29Met)

Gene: SCN1A (sodium voltage-gated channel alpha subunit 1; minus strand). Cytogenetic location: 2q24.3.
Variant type: single nucleotide variant.
Coding change: c.87T>G on transcript NM_001165963.4 (MANE Select); coding-DNA position 87, T replaced by G.
Protein change: p.Ile29Met; replaces isoleucine 29 with methionine.
Molecular consequence: missense variant. On other transcripts: 5 prime UTR variant (1), non-coding transcript variant (1).
Genome position (GRCh38, 1-based): chr2:166,073,535, A>C on the plus strand (T>G on the coding strand, the complement: SCN1A is on the minus strand). VCF-style: chr2-166073535-A-C. GRCh37 (hg19) VCF-style: chr2-166930045-A-C.
Other names: c.87T>G, p.Ile29Met (NM_001165964.3, NM_001202435.3, NM_001353948.2 and 10 more transcripts); c.-2339T>G (NM_001353961.2); short protein forms I29M.
Identifiers: ClinVar variation 3019945 (VCV003019945.3), dbSNP rs758963153, ClinGen allele CA349243293.

ClinVar aggregate classification (germline): Uncertain significance (1 of 4 stars; one submission).

Conditions:
Early-infantile DEE. Also called: Early infantile epileptic encephalopathy with suppression bursts; Early infantile epileptic encephalopathy; Ohtahara syndrome. Identifiers: Orphanet 1934, MedGen C0393706, MONDO:0800491.

gnomAD v4.1: 13 of 1,614,134 alleles (0.00081%); highest among the groups gnomAD compares: Non-Finnish European, 0.001%; no homozygotes.

Submission:

Labcorp Genetics (formerly Invitae), Labcorp
Classification: Uncertain significance for Early-infantile DEE. Last evaluated: 2023-04-09. Review status: criteria provided, single submitter. Criteria: Invitae Variant Classification Sherloc (09022015). Collection method: clinical testing. Allele origin: germline.
Comment: This variant is not present in population databases (gnomAD no frequency). This sequence change replaces isoleucine, which is neutral and non-polar, with methionine, which is neutral and non-polar, at codon 29 of the SCN1A protein (p.Ile29Met). This variant has not been reported in the literature in individuals affected with SCN1A-related conditions. In summary, the available evidence is currently insufficient to determine the role of this variant in disease. Therefore, it has been classified as a Variant of Uncertain Significance. Advanced modeling of protein sequence and biophysical properties (such as structural, functional, and spatial information, amino acid conservation, physicochemical variation, residue mobility, and thermodynamic stability) has been performed at Invitae for this missense variant, however the output from this modeling did not meet the statistical confidence thresholds required to predict the impact of this variant on SCN1A protein function.